The following is an entry in ClinVar:

NM_001161352.2(KCNMA1):c.2197G>C (p.Asp733His)

Gene: KCNMA1 (potassium calcium-activated channel subfamily M alpha 1; minus strand). Cytogenetic location: 10q22.3.
Variant type: single nucleotide variant.
Coding change: c.2197G>C on transcript NM_001161352.2 (MANE Select); coding-DNA position 2197, G replaced by C.
Protein change: p.Asp733His; replaces aspartic acid 733 with histidine.
Molecular consequence: missense variant. On other transcripts: intron variant (15).
Genome position (GRCh38, 1-based): chr10:77,001,476, C>G on the plus strand (G>C on the coding strand, the complement: KCNMA1 is on the minus strand). VCF-style: chr10-77001476-C-G. GRCh37 (hg19) VCF-style: chr10-78761234-C-G.
Other names: c.2104+10491G>C (NM_001322837.2, NM_001014797.3, NM_001322835.2); c.2224+10491G>C (NM_001437422.1); c.1942+10491G>C (NM_001271518.2); c.2092+10491G>C (NM_001322832.2, NM_001410940.1, NM_001437423.1 and 2 more transcripts); c.2101+6709G>C (NM_001322829.2, NM_001322836.2, NM_001271519.2); c.2113+6709G>C (NM_001322830.2); c.1552+10491G>C (NM_001322838.2); short protein forms D733H.
Identifiers: ClinVar variation 4882479 (VCV004882479.2).

ClinVar aggregate classification (germline): Uncertain significance (1 of 4 stars; one submission).

Submission:

Dasa
Classification: Uncertain significance. Last evaluated: 2025-12-29. Review status: criteria provided, single submitter. Criteria: DASA Assertion Criteria. Collection method: clinical testing. Allele origin: germline.
Comment: NM_001161352.2(KCNMA1):c.2197G>C (p.Asp733His) is a missense variant that results in the substitution of aspartic acid with histidine. This variant is absent from population databases. The currently available literature and clinical evidence are not sufficient to establish a definitive association between this variant and the reported condition. Therefore, this variant is classified as a variant of uncertain significance.